The following is an entry in ClinVar:

NM_001903.5(CTNNA1):c.1798T>G (p.Ser600Ala)

Gene: CTNNA1 (catenin alpha 1; plus strand). Cytogenetic location: 5q31.2.
Variant type: single nucleotide variant.
Coding change: c.1798T>G on transcript NM_001903.5 (MANE Select); coding-DNA position 1798, T replaced by G.
Protein change: p.Ser600Ala; replaces serine 600 with alanine.
Molecular consequence: missense variant.
Genome position (GRCh38, 1-based): chr5:138,925,306, T>G. VCF-style: chr5-138925306-T-G. GRCh37 (hg19) VCF-style: chr5-138260995-T-G.
Other names: c.1798T>G, p.Ser600Ala (NM_001323983.1, NM_001323984.2, NM_001323985.2 and 2 more transcripts); c.1705T>G, p.Ser569Ala (NM_001323986.2); c.688T>G, p.Ser230Ala (NM_001323987.1, NM_001323988.1, NM_001323999.1 and 17 more transcripts); c.349T>G, p.Ser117Ala (NM_001324006.1, NM_001324007.1, NM_001324008.1 and 2 more transcripts); c.595T>G, p.Ser199Ala (NM_001324011.1); c.445T>G, p.Ser149Ala (NM_001324012.1, NM_001324013.1); c.1489T>G, p.Ser497Ala (NM_001290309.3); c.1429T>G, p.Ser477Ala (NM_001290310.3); short protein forms S149A, S199A, S230A, S117A, S477A, S497A, S569A, S600A.
Identifiers: ClinVar variation 2809170 (VCV002809170.3), dbSNP rs191687307, ClinGen allele CA361132227.

ClinVar aggregate classification (germline): Uncertain significance (1 of 4 stars; one submission).

Submission:

Labcorp Genetics (formerly Invitae), Labcorp
Classification: Uncertain significance. Last evaluated: 2022-10-27. Review status: criteria provided, single submitter. Criteria: Invitae Variant Classification Sherloc (09022015). Collection method: clinical testing. Allele origin: germline.
Comment: This sequence change replaces serine, which is neutral and polar, with alanine, which is neutral and non-polar, at codon 600 of the CTNNA1 protein (p.Ser600Ala). This variant is not present in population databases (gnomAD no frequency). This variant has not been reported in the literature in individuals affected with CTNNA1-related conditions. Advanced modeling of protein sequence and biophysical properties (such as structural, functional, and spatial information, amino acid conservation, physicochemical variation, residue mobility, and thermodynamic stability) performed at Invitae indicates that this missense variant is not expected to disrupt CTNNA1 protein function. In summary, the available evidence is currently insufficient to determine the role of this variant in disease. Therefore, it has been classified as a Variant of Uncertain Significance.